The following is an entry in ClinVar:

NM_004341.5(CAD):c.5097G>T (p.Arg1699Ser)

Gene: CAD (carbamoyl-phosphate synthetase 2, aspartate transcarbamylase, and dihydroorotase; plus strand). Cytogenetic location: 2p23.3.
Variant type: single nucleotide variant.
Coding change: c.5097G>T on transcript NM_004341.5 (MANE Select); coding-DNA position 5097, G replaced by T.
Protein change: p.Arg1699Ser; replaces arginine 1699 with serine.
Molecular consequence: missense variant.
Genome position (GRCh38, 1-based): chr2:27,239,076, G>T. VCF-style: chr2-27239076-G-T. GRCh37 (hg19) VCF-style: chr2-27461944-G-T.
Other names: c.4908G>T, p.Arg1636Ser (NM_001306079.2); short protein forms R1636S, R1699S.
Identifiers: ClinVar variation 1520578 (VCV001520578.3), dbSNP rs2148090925, ClinGen allele CA346222121.

ClinVar aggregate classification (germline): Uncertain significance (1 of 4 stars; one submission).

gnomAD v4.1: 5 of 1,592,648 alleles (0.00031%); highest among the groups gnomAD compares: Non-Finnish European, 0.00034%; no homozygotes.

Submission:

Labcorp Genetics (formerly Invitae), Labcorp
Classification: Uncertain significance. Last evaluated: 2021-08-26. Review status: criteria provided, single submitter. Criteria: Invitae Variant Classification Sherloc (09022015). Collection method: clinical testing. Allele origin: germline.
Comment: This sequence change replaces arginine with serine at codon 1699 of the CAD protein (p.Arg1699Ser). The arginine residue is weakly conserved and there is a moderate physicochemical difference between arginine and serine. This variant is not present in population databases (ExAC no frequency). This variant has not been reported in the literature in individuals affected with CAD-related conditions. Algorithms developed to predict the effect of missense changes on protein structure and function output the following: SIFT: "Tolerated"; PolyPhen-2: "Benign"; Align-GVGD: "Class C0". The serine amino acid residue is found in multiple mammalian species, which suggests that this missense change does not adversely affect protein function. In summary, the available evidence is currently insufficient to determine the role of this variant in disease. Therefore, it has been classified as a Variant of Uncertain Significance.